The following is an entry in ClinVar:

NM_002317.7(LOX):c.401C>A (p.Ala134Asp)

Genes: LOX (lysyl oxidase; minus strand), SRFBP1 (serum response factor binding protein 1; plus strand). Cytogenetic location: 5q23.1.
Variant type: single nucleotide variant.
Coding change: c.401C>A on transcript NM_002317.7 (MANE Select); coding-DNA position 401, C replaced by A.
Protein change: p.Ala134Asp; replaces alanine 134 with aspartic acid.
Molecular consequence: missense variant.
Genome position (GRCh38, 1-based): chr5:122,077,585, G>T on the plus strand (C>A on the coding strand, the complement: LOX is on the minus strand). VCF-style: chr5-122077585-G-T. GRCh37 (hg19) VCF-style: chr5-121413280-G-T.
Other names: short protein forms A134D.
Identifiers: ClinVar variation 4710003 (VCV004710003.1).
Genomic context (GRCh38, chr5:122,077,585, plus strand): 5'-AGCGCAGGAACTTCTCCCGGCGCTGTCTGGTTCTCCGCGCGCGAGGCGCCAGCTTCGCGG[G>T]CTCTAGATGTCGAGTAGCCAGCTTGGAACCAGTGACGGGCGGTGGGCCTGGGGCGGCCAG-3'
Protein context (NP_002308.2, residues 124-144): WFQAGYSTSR[Ala134Asp]REAGASRAEN

ClinVar aggregate classification (germline): Uncertain significance (1 of 4 stars; one submission).

Submission:

Labcorp Genetics (formerly Invitae), Labcorp
Classification: Uncertain significance. Last evaluated: 2025-10-09. Review status: criteria provided, single submitter. Criteria: Invitae Variant Classification Sherloc (09022015). Collection method: clinical testing. Allele origin: germline.
Comment: This sequence change replaces alanine, which is neutral and non-polar, with aspartic acid, which is acidic and polar, at codon 134 of the LOX protein (p.Ala134Asp). This variant is not present in population databases (gnomAD no frequency). This variant has not been reported in the literature in individuals affected with LOX-related conditions. Invitae Evidence Modeling of protein sequence and biophysical properties (such as structural, functional, and spatial information, amino acid conservation, physicochemical variation, residue mobility, and thermodynamic stability) indicates that this missense variant is not expected to disrupt LOX protein function with a negative predictive value of 95%. In summary, the available evidence is currently insufficient to determine the role of this variant in disease. Therefore, it has been classified as a Variant of Uncertain Significance.